The following is an entry in ClinVar:

NM_000059.4(BRCA2):c.1717G>A (p.Ala573Thr)

Gene: BRCA2 (BRCA2 DNA repair associated; plus strand). Cytogenetic location: 13q13.1.
Variant type: single nucleotide variant.
Coding change: c.1717G>A on transcript NM_000059.4 (MANE Select); coding-DNA position 1717, G replaced by A.
Protein change: p.Ala573Thr; replaces alanine 573 with threonine.
Molecular consequence: missense variant. On other transcripts: non-coding transcript variant (1), intron variant (1).
Genome position (GRCh38, 1-based): chr13:32,333,195, G>A. VCF-style: chr13-32333195-G-A. GRCh37 (hg19) VCF-style: chr13-32907332-G-A.
Other names: c.1717G>A, p.Ala573Thr (NM_001406719.1, NM_001406720.1, NM_001406721.1 and 1 more transcripts); c.424+2165G>A (NM_001406722.1); short protein forms A573T.
Identifiers: ClinVar variation 4628581 (VCV004628581.2).

ClinVar aggregate classification (germline): Likely benign. Review status: criteria provided, multiple submitters, no conflicts (2 of 4 stars). 2 submissions from 2 submitters: Likely benign (2). Last evaluated 2026-05-01.

Conditions:
Breast-ovarian cancer, familial, susceptibility to, 2 (BROVCA2). Also called: BRCA2 Hereditary Breast and Ovarian Cancer. Identifiers: Orphanet 145, MedGen C2675520, MONDO:0012933, OMIM 612555. Disease mechanism: loss of function.
Hereditary cancer-predisposing syndrome. Also called: Neoplastic Syndromes, Hereditary; Tumor predisposition; Hereditary neoplastic syndrome; Hereditary Cancer Syndrome. Identifiers: Orphanet 140162, MedGen C0027672, MeSH D009386, MONDO:0015356.

gnomAD v4.1: 1 of 1,613,842 alleles (0.000062%); highest among the groups gnomAD compares: Non-Finnish European, 0.000085%; no homozygotes.

Submissions (2):

Cancer Bioinformatics and Tumour Evolution Laboratory, Monash University
Classification: Likely benign for Breast-ovarian cancer, familial, susceptibility to, 2. Last evaluated: 2026-05-01. Review status: criteria provided, single submitter. Criteria: ClinGen BRCA1 and BRCA2 Guidelines, 2024. Collection method: curation. Allele origin: germline. Inheritance: Autosomal dominant inheritance.
Comment: Missense variant outside of a functional domain with no splice impact. BRCA1 and BRCA2 VCEP guidelines recommend application of BP1_Strong (PMID: 39142283)

Ambry Genetics
Classification: Likely benign for Hereditary cancer-predisposing syndrome. Last evaluated: 2025-09-26. Review status: criteria provided, single submitter. Criteria: Ambry Variant Classification Scheme 2023. Collection method: clinical testing. Allele origin: germline.